The following is an entry in ClinVar:

ClinVar aggregate classification (germline): Uncertain significance. Review status: criteria provided, multiple submitters, no conflicts (2 of 4 stars). 2 submissions from 2 submitters: Uncertain significance (2). Last evaluated 2025-12-24.

Conditions:
Cognitive impairment - coarse facies - heart defects - obesity - pulmonary involvement - short stature - skeletal dysplasia syndrome. Also called: COGNITIVE IMPAIRMENT, COARSE FACIES, HEART DEFECTS, OBESITY, PULMONARY INVOLVEMENT, SHORT STATURE, AND SKELETAL DYSPLASIA; AFF4-Related CHOPS Syndrome; Chops syndrome. Identifiers: Orphanet 444077, MedGen C4085597, MONDO:0014609, OMIM 616368.
AFF4-related disorder. Also called: AFF4-related condition.

Allele frequency attached by ClinVar (database versions not stated): TOPMed below 0.00001; ExAC 0.00001.
gnomAD v4.1: 5 of 1,609,286 alleles (0.00031%); highest among the groups gnomAD compares: Admixed American, 0.0017%; no homozygotes.

Submissions (2):

Labcorp Genetics (formerly Invitae), Labcorp
Classification: Uncertain significance for Cognitive impairment - coarse facies - heart defects - obesity - pulmonary involvement - short stature - skeletal dysplasia syndrome. Last evaluated: 2025-12-24. Review status: criteria provided, single submitter. Criteria: Invitae Variant Classification Sherloc (09022015). Collection method: clinical testing. Allele origin: germline.
Comment: This sequence change replaces asparagine, which is neutral and polar, with aspartic acid, which is acidic and polar, at codon 372 of the AFF4 protein (p.Asn372Asp). This variant is present in population databases (rs762630919, gnomAD 0.003%). This variant has not been reported in the literature in individuals affected with AFF4-related conditions. ClinVar contains an entry for this variant (Variation ID: 2139944). Invitae Evidence Modeling of protein sequence and biophysical properties (such as structural, functional, and spatial information, amino acid conservation, physicochemical variation, residue mobility, and thermodynamic stability) indicates that this missense variant is not expected to disrupt AFF4 protein function with a negative predictive value of 80%. In summary, the available evidence is currently insufficient to determine the role of this variant in disease. Therefore, it has been classified as a Variant of Uncertain Significance.

PreventionGenetics, part of Exact Sciences
Classification: Uncertain significance for AFF4-related condition. Last evaluated: 2025-12-12. Review status: criteria provided, single submitter. Criteria: ACMG Guidelines, 2015. Collection method: clinical testing. Allele origin: germline.
Comment: The AFF4 c.1114A>G variant is predicted to result in the amino acid substitution p.Asn372Asp. To our knowledge, this variant has not been reported in the literature. This variant is reported in 0.0033% of alleles in individuals of South Asian descent in gnomAD. At this time, the clinical significance of this variant is uncertain due to the absence of conclusive functional and genetic evidence.

NM_014423.4(AFF4):c.1114A>G (p.Asn372Asp)

Gene: AFF4 (ALF transcription elongation factor 4; minus strand). Cytogenetic location: 5q31.1.
Variant type: single nucleotide variant.
Coding change: c.1114A>G on transcript NM_014423.4 (MANE Select); coding-DNA position 1114, A replaced by G.
Protein change: p.Asn372Asp; replaces asparagine 372 with aspartic acid.
Molecular consequence: missense variant.
Genome position (GRCh38, 1-based): chr5:132,902,461, T>C on the plus strand (A>G on the coding strand, the complement: AFF4 is on the minus strand). VCF-style: chr5-132902461-T-C. GRCh37 (hg19) VCF-style: chr5-132238153-T-C.
Other names: c.1114A>G (NM_014423.3); short protein forms N372D.
Identifiers: ClinVar variation 2139944 (VCV002139944.5), dbSNP rs762630919, ClinGen allele CA3409200.
Genomic context (GRCh38, chr5:132,902,461, plus strand): 5'-CAAAAATGATAAATATTAAACTCATTAAGCAATAAACTTACGATTTAGACTGGTGCCCAT[T>C]TGAAGTTTTAGAAGGATTATATCTTTCTGGAACAAAAAGAATGAAGTGAGCAACTAAAGG-3'
Protein context (NP_055238.1, residues 362-382): QKRYNPSKTS[Asn372Asp]GHQSKSMLKD